The following is an entry in ClinVar:

ClinVar aggregate classification (germline): Likely benign. Review status: criteria provided, multiple submitters, no conflicts (2 of 4 stars). 3 submissions from 3 submitters: Likely benign (3). Last evaluated 2026-09-16.

Conditions:
MYO7A-related disorder. Also called: MYO7A-related disorders.

Allele frequency attached by ClinVar (database versions not stated): ExAC 0.00010; gnomAD 0.00001; gnomAD exomes 0.00003 and 0.00005.
gnomAD v4.1: 43 of 1,597,384 alleles (0.0027%); highest among the groups gnomAD compares: South Asian, 0.048%; no homozygotes.

Submissions (3):

PreventionGenetics, part of Exact Sciences
Classification: Likely benign for MYO7A-related condition. Last evaluated: 2026-09-16. Review status: criteria provided, single submitter. Criteria: ACMG Guidelines, 2015. Collection method: clinical testing. Allele origin: germline.
Comment: This variant is classified as likely benign based on ACMG/AMP sequence variant interpretation guidelines (Richards et al. 2015 PMID: 25741868, with internal and published modifications).

Labcorp Genetics (formerly Invitae), Labcorp
Classification: Likely benign. Last evaluated: 2025-12-17. Review status: criteria provided, single submitter. Criteria: Invitae Variant Classification Sherloc (09022015). Collection method: clinical testing. Allele origin: germline.

Blueprint Genetics
Classification: Likely benign. Last evaluated: 2021-05-17. Review status: criteria provided, single submitter. Criteria: ACMG Guidelines, 2015. Collection method: clinical testing. Allele origin: germline.

NM_000260.4(MYO7A):c.2282+10C>T

Gene: MYO7A (myosin VIIA; plus strand). Cytogenetic location: 11q13.5.
Variant type: single nucleotide variant.
Coding change: c.2282+10C>T on transcript NM_000260.4 (MANE Select); 10 bases into the intron after coding-DNA position 2282, C replaced by T.
Molecular consequence: intron variant.
Genome position (GRCh38, 1-based): chr11:77,177,653, C>T. VCF-style: chr11-77177653-C-T. GRCh37 (hg19) VCF-style: chr11-76888699-C-T.
Other names: c.2282+10C>T (NM_000260.3, NM_001127180.2); c.2249+10C>T (NM_001369365.1).
Identifiers: ClinVar variation 1109981 (VCV001109981.11), dbSNP rs782176027, ClinGen allele CA6197780.